The following is an entry in ClinVar:

ClinVar aggregate classification (germline): Likely benign (1 of 4 stars; one submission).

Allele frequency attached by ClinVar (database versions not stated): 1000 Genomes Project 30x 0.00853; 1000 Genomes Project 0.00874; gnomAD 0.00964 and 0.01040; TOPMed 0.01136.
gnomAD v4.1: 1,082 of 113,042 alleles (0.96%); highest among the groups gnomAD compares: African/African-American, 3.3%; 10 homozygotes.

Submission:

GeneDx
Classification: Likely benign. Last evaluated: 2018-06-19. Review status: criteria provided, single submitter. Criteria: GeneDx Variant Classification (06012015). Collection method: clinical testing. Allele origin: germline. Affected: yes.
Comment: This variant is considered likely benign or benign based on one or more of the following criteria: it is a conservative change, it occurs at a poorly conserved position in the protein, it is predicted to be benign by multiple in silico algorithms, and/or has population frequency not consistent with disease.

NM_004006.3(DMD):c.7309+223T>A

Gene: DMD (dystrophin; minus strand). Cytogenetic location: Xp21.1.
Variant type: single nucleotide variant.
Coding change: c.7309+223T>A on transcript NM_004006.3 (MANE Select); 223 bases into the intron after coding-DNA position 7309, T replaced by A.
Molecular consequence: intron variant.
Genome position (GRCh38, 1-based): chrX:31,819,752, A>T on the plus strand (T>A on the coding strand, the complement: DMD is on the minus strand). VCF-style: chrX-31819752-A-T. GRCh37 (hg19) VCF-style: chrX-31837869-A-T.
Other names: c.7285+223T>A (NM_000109.4); c.3286+223T>A (NM_004011.4); c.3277+223T>A (NM_004012.4); c.-72+223T>A (NM_004023.3, NM_004020.4, NM_004022.3 and 2 more transcripts); c.7297+223T>A (NM_004009.3); c.6940+223T>A (NM_004010.3).
Identifiers: ClinVar variation 678971 (VCV000678971.1), dbSNP rs116628132, ClinGen allele CA328476064.